The following is an entry in ClinVar:

NM_001458.5(FLNC):c.6310G>A (p.Glu2104Lys)

Genes: FLNC (filamin C; plus strand), FLNC-AS1 (FLNC antisense RNA 1; minus strand). Cytogenetic location: 7q32.1.
Variant type: single nucleotide variant.
Coding change: c.6310G>A on transcript NM_001458.5 (MANE Select); coding-DNA position 6310, G replaced by A.
Protein change: p.Glu2104Lys; replaces glutamic acid 2104 with lysine.
Molecular consequence: missense variant.
Genome position (GRCh38, 1-based): chr7:128,853,570, G>A. VCF-style: chr7-128853570-G-A. GRCh37 (hg19) VCF-style: chr7-128493624-G-A.
Other names: c.6211G>A, p.Glu2071Lys (NM_001127487.2); short protein forms E2071K, E2104K.
Identifiers: ClinVar variation 654966 (VCV000654966.11), dbSNP rs753069149, ClinGen allele CA4475939.
Genomic context (GRCh38, chr7:128,853,570, plus strand): 5'-GTGGACATCAACTGTGAGGACATGGAGGACGGGACATGCAAAGTCACCTACTGCCCCACC[G>A]AGCCCGGCACCTACATCATCAACATCAAGTTTGCTGACAAGCACGTGCCTGGTAAGGCTC-3'
Protein context (NP_001449.3, residues 2094-2114): GTCKVTYCPT[Glu2104Lys]PGTYIINIKF

ClinVar aggregate classification (germline): Uncertain significance. Review status: criteria provided, multiple submitters, no conflicts (2 of 4 stars). 3 submissions from 3 submitters: Uncertain significance (3). Last evaluated 2025-10-26.

Conditions:
Myofibrillar myopathy 5. Also called: FILAMINOPATHY, AUTOSOMAL DOMINANT; Filaminopathy (type). Identifiers: Orphanet 171445, MedGen C1836050, MONDO:0012289, OMIM 609524.
Hypertrophic cardiomyopathy 26. Also called: Cardiomyopathy, familial hypertrophic, 26. Identifiers: Orphanet 75249, MedGen C4310749, MONDO:0014883, OMIM 617047.
Distal myopathy with posterior leg and anterior hand involvement. Also called: WILLIAMS DISTAL MYOPATHY. Identifiers: Orphanet 63273, MedGen C3279722, MONDO:0013550, OMIM 614065.

Allele frequency attached by ClinVar (database versions not stated): gnomAD exomes below 0.00001; ExAC 0.00001.
gnomAD v4.1: 5 of 1,614,130 alleles (0.00031%); highest among the groups gnomAD compares: Non-Finnish European, 0.00042%; no homozygotes.

Submissions (3):

Labcorp Genetics (formerly Invitae), Labcorp
Classification: Uncertain significance for Distal myopathy with posterior leg and anterior hand involvement; Myofibrillar myopathy 5; Hypertrophic cardiomyopathy 26. Last evaluated: 2025-10-26. Review status: criteria provided, single submitter. Criteria: Invitae Variant Classification Sherloc (09022015). Collection method: clinical testing. Allele origin: germline.
Comment: This sequence change replaces glutamic acid, which is acidic and polar, with lysine, which is basic and polar, at codon 2104 of the FLNC protein (p.Glu2104Lys). This variant is present in population databases (rs753069149, gnomAD 0.0009%). This variant has not been reported in the literature in individuals affected with FLNC-related conditions. ClinVar contains an entry for this variant (Variation ID: 654966). Invitae Evidence Modeling of protein sequence and biophysical properties (such as structural, functional, and spatial information, amino acid conservation, physicochemical variation, residue mobility, and thermodynamic stability) has been performed for this missense variant. However, the output from this modeling did not meet the statistical confidence thresholds required to predict the impact of this variant on FLNC protein function. In summary, the available evidence is currently insufficient to determine the role of this variant in disease. Therefore, it has been classified as a Variant of Uncertain Significance.

Blueprint Genetics
Classification: Uncertain significance. Last evaluated: 2020-07-14. Review status: criteria provided, single submitter. Criteria: ACMG Guidelines, 2015. Collection method: clinical testing. Allele origin: germline.

GeneDx
Classification: Uncertain significance. Last evaluated: 2019-08-20. Review status: criteria provided, single submitter. Criteria: GeneDx Variant Classification Process June 2021. Collection method: clinical testing. Allele origin: germline. Affected: yes.
Comment: Has not been previously published as pathogenic or benign to our knowledge; Not observed at a significant frequency in large population cohorts (Lek et al., 2016); In silico analysis, which includes protein predictors and evolutionary conservation, supports a deleterious effect